The following is an entry in ClinVar:

ClinVar aggregate classification (germline): Uncertain significance (1 of 4 stars; one submission).

Allele frequency attached by ClinVar (database versions not stated): gnomAD exomes below 0.00001; ExAC 0.00002; ESP Exome Variant Server 0.00008.
gnomAD v4.1: 1 of 1,613,972 alleles (0.000062%); highest among the groups gnomAD compares: Non-Finnish European, 0.000085%; no homozygotes.

Submission:

Labcorp Genetics (formerly Invitae), Labcorp
Classification: Uncertain significance. Last evaluated: 2022-03-04. Review status: criteria provided, single submitter. Criteria: Invitae Variant Classification Sherloc (09022015). Collection method: clinical testing. Allele origin: germline.
Comment: This sequence change replaces lysine, which is basic and polar, with asparagine, which is neutral and polar, at codon 270 of the KIZ protein (p.Lys270Asn). In summary, the available evidence is currently insufficient to determine the role of this variant in disease. Therefore, it has been classified as a Variant of Uncertain Significance. Experimental studies and prediction algorithms are not available or were not evaluated, and the functional significance of this variant is currently unknown. This variant has not been reported in the literature in individuals affected with KIZ-related conditions. This variant is present in population databases (rs374746995, gnomAD 0.002%).

NM_018474.6(KIZ):c.810G>T (p.Lys270Asn)

Gene: KIZ (kizuna centrosomal protein; plus strand). Cytogenetic location: 20p11.23.
Variant type: single nucleotide variant.
Coding change: c.810G>T on transcript NM_018474.6 (MANE Select); coding-DNA position 810, G replaced by T.
Protein change: p.Lys270Asn; replaces lysine 270 with asparagine.
Molecular consequence: missense variant.
Genome position (GRCh38, 1-based): chr20:21,162,275, G>T. VCF-style: chr20-21162275-G-T. GRCh37 (hg19) VCF-style: chr20-21142916-G-T.
Other names: c.501G>T, p.Lys167Asn (NM_001163022.3, NM_001352435.2); c.411G>T, p.Lys137Asn (NM_001163023.3); c.663G>T, p.Lys221Asn (NM_001276389.2); c.810G>T, p.Lys270Asn (NM_001352434.2); c.468G>T, p.Lys156Asn (NM_001352436.2); short protein forms K221N, K137N, K167N, K270N, K156N.
Identifiers: ClinVar variation 1947300 (VCV001947300.5), dbSNP rs374746995, ClinGen allele CA9784708.